The following is an entry in ClinVar:

NM_000057.4(BLM):c.2580_2581del (p.His860fs)

Gene: BLM (BLM RecQ like helicase; plus strand). Cytogenetic location: 15q26.1.
Variant type: Deletion.
Coding change: c.2580_2581del on transcript NM_000057.4 (MANE Select); coding-DNA positions 2580 to 2581, 2 bases deleted (TA; older notation c.2580_2581delTA).
Protein change: p.His860fs; shifts the reading frame from histidine 860.
Molecular consequence: frameshift variant.
Genome position (GRCh38, 1-based): chr15:90,782,846-90,782,847, TA deleted; deleting any 2 consecutive bases within chr15:90,782,845-90,782,847 gives the same sequence; the c. name uses the placement nearest the transcript's 3' end. VCF-style (leftmost placement, unchanged base first): chr15-90782844-CAT-C. GRCh37 (hg19) VCF-style: chr15-91326074-CAT-C.
Other names: c.2580_2581delTA (NM_000057.3); c.2580_2581del, p.His860fs (NM_001287246.2, NM_001287247.2); c.1455_1456del, p.His485fs (NM_001287248.2); c.2580_2581del (LRG_20t1); short protein forms H485fs, H860fs.
Identifiers: ClinVar variation 220018 (VCV000220018.12), dbSNP rs864622347, ClinGen allele CA348488.
Genomic context (GRCh38, chr15:90,782,844, plus strand): 5'-CTCATAATAACTAAATTTTATGTTTGGGACTTTTTTAGGTTTAGCATGAGCTTTAACAGA[CAT>C]AATCTGAAATACTATGTATTACCGAAAAAGCCTAAAAAGGTGGCATTTGATTGCCTAGAA-3'

ClinVar aggregate classification (germline): Pathogenic/Likely pathogenic. Review status: criteria provided, multiple submitters, no conflicts (2 of 4 stars). 4 submissions from 4 submitters: Pathogenic (2); Likely pathogenic (2). Last evaluated 2024-10-25.

Conditions:
Hereditary cancer-predisposing syndrome. Also called: Hereditary neoplastic syndrome; Tumor predisposition; Hereditary Cancer Syndrome; Neoplastic Syndromes, Hereditary. Identifiers: Orphanet 140162, MedGen C0027672, MeSH D009386, MONDO:0015356.
Bloom syndrome (BLM). Also called: Bloom-Torre-Machacek syndrome. Identifiers: Orphanet 125, MedGen C0005859, MONDO:0008876, OMIM 210900.

Submissions (4):

Ambry Genetics
Classification: Pathogenic for Hereditary cancer-predisposing syndrome. Last evaluated: 2024-10-25. Review status: criteria provided, single submitter. Criteria: Ambry Variant Classification Scheme 2023. Collection method: clinical testing. Allele origin: germline.
Comment: The c.2580_2581delTA pathogenic mutation, located in coding exon 12 of the BLM gene, results from a deletion of two nucleotides at nucleotide positions 2580 to 2581, causing a translational frameshift with a predicted alternate stop codon (p.H860Qfs*12). This alteration is expected to result in loss of function by premature protein truncation or nonsense-mediated mRNA decay. As such, this alteration is interpreted as a disease-causing mutation.

Labcorp Genetics (formerly Invitae), Labcorp
Classification: Pathogenic for Bloom syndrome. Last evaluated: 2022-11-30. Review status: criteria provided, single submitter. Criteria: Invitae Variant Classification Sherloc (09022015). Collection method: clinical testing. Allele origin: germline.
Comment: This sequence change creates a premature translational stop signal (p.His860Glnfs*12) in the BLM gene. It is expected to result in an absent or disrupted protein product. Loss-of-function variants in BLM are known to be pathogenic (PMID: 17407155). This variant is present in population databases (rs774161560, gnomAD 0.002%). This variant has not been reported in the literature in individuals affected with BLM-related conditions. ClinVar contains an entry for this variant (Variation ID: 220018). For these reasons, this variant has been classified as Pathogenic.

Fulgent Genetics
Classification: Likely pathogenic for Bloom syndrome. Last evaluated: 2022-04-15. Review status: criteria provided, single submitter. Criteria: ACMG Guidelines, 2015. Collection method: clinical testing. Allele origin: unknown.

Women's Health and Genetics/Laboratory Corporation of America, LabCorp
Classification: Likely pathogenic for Bloom syndrome. Last evaluated: 2020-12-07. Review status: criteria provided, single submitter. Criteria: LabCorp Variant Classification Summary - May 2015. Collection method: clinical testing. Allele origin: germline.
Comment: Variant summary: BLM c.2580_2581delTA (p.His860GlnfsX12) results in a premature termination codon, predicted to cause a truncation of the encoded protein or absence of the protein due to nonsense mediated decay, which are commonly known mechanisms for disease. Truncations downstream of this position have been classified as pathogenic by our laboratory. The variant allele was found at a frequency of 8e-06 in 251222 control chromosomes. To our knowledge, no occurrence of c.2580_2581delTA in individuals affected with Bloom Syndrome and no experimental evidence demonstrating its impact on protein function have been reported. One clinical diagnostic laboratory has submitted clinical-significance assessments for this variant to ClinVar after 2014 without evidence for independent evaluation and classified the variant as pathogenic. Based on the evidence outlined above, the variant was classified as likely pathogenic.

Literature cited by the submitters: PubMed 17407155 (cited by Labcorp Genetics (formerly Invitae), Labcorp).